The following is an entry in ClinVar:

NM_022166.4(XYLT1):c.1875G>A (p.Pro625=)

Genes: XYLT1 (xylosyltransferase 1; minus strand), LOC102723692 (uncharacterized LOC102723692; plus strand). Cytogenetic location: 16p12.3.
Variant type: single nucleotide variant.
Coding change: c.1875G>A on transcript NM_022166.4 (MANE Select); coding-DNA position 1875, G replaced by A.
Protein change: p.Pro625=; no amino-acid change (proline 625 retained).
Molecular consequence: synonymous variant.
Genome position (GRCh38, 1-based): chr16:17,134,625, C>T on the plus strand (G>A on the coding strand, the complement: XYLT1 is on the minus strand). VCF-style: chr16-17134625-C-T. GRCh37 (hg19) VCF-style: chr16-17228482-C-T.
Other names: c.1875G>A (NM_022166.3).
Identifiers: ClinVar variation 1082838 (VCV001082838.11), dbSNP rs182016158, ClinGen allele CA7927744.

ClinVar aggregate classification (germline): Likely benign. Review status: criteria provided, multiple submitters, no conflicts (2 of 4 stars). 3 submissions from 3 submitters: Likely benign (3). Last evaluated 2026-02-03.

Conditions:
Desbuquois dysplasia 1 (DBQD1). Also called: MICROMELIC DWARFISM WITH VERTEBRAL AND METAPHYSEAL ABNORMALITIES AND ADVANCED CARPOTARSAL OSSIFICATION; DESBUQUOIS DYSPLASIA 1, KIM VARIANT. Identifiers: Orphanet 1425, MedGen C4012146, MONDO:0009629, OMIM 251450.
XYLT1-related disorder. Also called: XYLT1-related condition.

Allele frequency attached by ClinVar (database versions not stated): gnomAD 0.00001 and 0.00003; TOPMed 0.00002; gnomAD exomes 0.00004 and 0.00005; ExAC 0.00006; ESP Exome Variant Server 0.00008; 1000 Genomes Project 0.00020; 1000 Genomes Project 30x 0.00031.
gnomAD v4.1: 63 of 1,614,178 alleles (0.0039%); highest among the groups gnomAD compares: East Asian, 0.011%; no homozygotes.

Submissions (3):

PreventionGenetics, part of Exact Sciences
Classification: Likely benign for XYLT1-related condition. Last evaluated: 2026-02-03. Review status: criteria provided, single submitter. Criteria: ACMG Guidelines, 2015. Collection method: clinical testing. Allele origin: germline.
Comment: This variant is classified as likely benign based on ACMG/AMP sequence variant interpretation guidelines (Richards et al. 2015 PMID: 25741868, with internal and published modifications).

Labcorp Genetics (formerly Invitae), Labcorp
Classification: Likely benign for Desbuquois dysplasia 1. Last evaluated: 2025-12-01. Review status: criteria provided, single submitter. Criteria: Invitae Variant Classification Sherloc (09022015). Collection method: clinical testing. Allele origin: germline.

Breakthrough Genomics
Classification: Likely benign. Review status: criteria provided, single submitter. Criteria: ACMG Guidelines, 2015. Collection method: not provided. Allele origin: germline. Inheritance: Autosomal recessive inheritance. Affected: yes.